The following is an entry in ClinVar:

ClinVar aggregate classification (germline): Pathogenic/Likely pathogenic. Review status: criteria provided, multiple submitters, no conflicts (2 of 4 stars). 3 submissions from 3 submitters: Pathogenic (2); Likely pathogenic (1). Last evaluated 2025-09-15.

Conditions:
Hypophosphatasia. Also called: Phosphoethanol-aminuria. Identifiers: Orphanet 436, MedGen C0020630, MeSH D007014, MONDO:0018570.

gnomAD v4.1: 1 of 1,605,978 alleles (0.000062%); highest among the groups gnomAD compares: Non-Finnish European, 0.000085%; no homozygotes.

Submissions (3):

Labcorp Genetics (formerly Invitae), Labcorp
Classification: Pathogenic. Last evaluated: 2025-09-15. Review status: criteria provided, single submitter. Criteria: Invitae Variant Classification Sherloc (09022015). Collection method: clinical testing. Allele origin: germline.
Comment: This sequence change replaces glycine, which is neutral and non-polar, with arginine, which is basic and polar, at codon 491 of the ALPL protein (p.Gly491Arg). This variant is not present in population databases (gnomAD no frequency). This missense change has been observed in individual(s) with hypophosphatasia (PMID: 9781036, 17253930, 26459154, 31641588). ClinVar contains an entry for this variant (Variation ID: 3713031). Invitae Evidence Modeling of protein sequence and biophysical properties (such as structural, functional, and spatial information, amino acid conservation, physicochemical variation, residue mobility, and thermodynamic stability) indicates that this missense variant is expected to disrupt ALPL protein function with a positive predictive value of 95%. For these reasons, this variant has been classified as Pathogenic.

Natera, Inc.
Classification: Likely pathogenic for Hypophosphatasia. Last evaluated: 2025-08-25. Review status: criteria provided, single submitter. Criteria: Natera Variant Classification Schema (03/2026). Collection method: clinical testing. Allele origin: germline.
Comment: The c.1471G>C variant in ALPL is a missense variant predicted to cause substitution of glycine to arginine at amino acid 491. This variant is rare in the general population with a frequency below the threshold expected for the associated phenotype(s). This variant has been observed in one or more individuals affected with the associated recessive disease, as either homozygous or compound heterozygous with a second variant (PMID: 39983296). Another variant at this same site results in an alteration predicted to cause a similar molecular effect has been observed in individual(s) with the associated phenotype. Computational prediction algorithms indicate this variant is likely to affect gene or protein function. Given the available evidence, this variant is classified as Likely Pathogenic.

Women's Health and Genetics/Laboratory Corporation of America, LabCorp
Classification: Pathogenic for Hypophosphatasia. Last evaluated: 2025-05-12. Review status: criteria provided, single submitter. Criteria: LabCorp Variant Classification Summary - May 2015. Collection method: clinical testing. Allele origin: germline.
Comment: Variant summary: ALPL c.1471G>C (p.Gly491Arg) results in a non-conservative amino acid change in the encoded protein sequence. Algorithms developed to predict the effect of missense changes on protein structure and function all suggest that this variant is likely to be disruptive. The variant was absent in 241684 control chromosomes (gnomAD). c.1471G>C has been observed in individuals affected with Hypophosphatasia (Simon-Bouy_2008, Taillandier_2017). These data indicate that the variant may be associated with disease. A different variant resulting in the same amino acid consequence has been classified as pathogenic by our lab (c.1471G>A), supporting the pathogenicity of this variant. To our knowledge, no experimental evidence demonstrating an impact on protein function has been reported. The following publications have been ascertained in the context of this evaluation (PMID: 18925618, 29236161). ClinVar contains an entry for this variant (Variation ID: 3713031). Based on the evidence outlined above, the variant was classified as pathogenic.

Literature cited by the submitters: PubMed 9781036 (cited by Labcorp Genetics (formerly Invitae), Labcorp); PubMed 17253930 (cited by Labcorp Genetics (formerly Invitae), Labcorp); PubMed 26459154 (cited by Labcorp Genetics (formerly Invitae), Labcorp); PubMed 31641588 (cited by Labcorp Genetics (formerly Invitae), Labcorp); PubMed 39983296 (cited by Natera, Inc.); PubMed 18925618 (cited by Women's Health and Genetics/Laboratory Corporation of America, LabCorp); PubMed 29236161 (cited by Women's Health and Genetics/Laboratory Corporation of America, LabCorp).

NM_000478.6(ALPL):c.1471G>C (p.Gly491Arg)

Gene: ALPL (alkaline phosphatase, biomineralization associated; plus strand). Cytogenetic location: 1p36.12.
Variant type: single nucleotide variant.
Coding change: c.1471G>C on transcript NM_000478.6 (MANE Select); coding-DNA position 1471, G replaced by C.
Protein change: p.Gly491Arg; replaces glycine 491 with arginine.
Molecular consequence: missense variant.
Genome position (GRCh38, 1-based): chr1:21,577,544, G>C. VCF-style: chr1-21577544-G-C. GRCh37 (hg19) VCF-style: chr1-21904037-G-C.
Other names: c.1306G>C, p.Gly436Arg (NM_001127501.4); c.1240G>C, p.Gly414Arg (NM_001177520.3); c.1471G>C, p.Gly491Arg (NM_001369803.2, NM_001369804.2, NM_001369805.2); c.1471G>C (NM_000478.5); short protein forms G414R, G491R, G436R.
Identifiers: ClinVar variation 3713031 (VCV003713031.4).
Genomic context (GRCh38, chr1:21,577,544, plus strand): 5'-CTGCACGGCGTCCACGAGCAGAACTACGTCCCCCACGTGATGGCGTATGCAGCCTGCATC[G>C]GGGCCAACCTCGGCCACTGTGCTCCTGCCAGCTCGGCAGGCAGCCTTGCTGCAGGCCCCC-3'
Protein context (NP_000469.3, residues 481-501): PHVMAYAACI[Gly491Arg]ANLGHCAPAS